The following is an entry in ClinVar:

NM_025243.4(SLC19A3):c.398C>T (p.Pro133Leu)

Gene: SLC19A3 (solute carrier family 19 member 3; minus strand). Cytogenetic location: 2q36.3.
Variant type: single nucleotide variant.
Coding change: c.398C>T on transcript NM_025243.4 (MANE Select); coding-DNA position 398, C replaced by T.
Protein change: p.Pro133Leu; replaces proline 133 with leucine.
Molecular consequence: missense variant.
Genome position (GRCh38, 1-based): chr2:227,699,317, G>A on the plus strand (C>T on the coding strand, the complement: SLC19A3 is on the minus strand). VCF-style: chr2-227699317-G-A. GRCh37 (hg19) VCF-style: chr2-228564033-G-A.
Other names: c.398C>T (NM_025243.3); c.398C>T, p.Pro133Leu (NM_001371411.1, NM_001371412.1); c.386C>T, p.Pro129Leu (NM_001371413.1, NM_001371414.1); short protein forms P129L, P133L.
Identifiers: ClinVar variation 2103488 (VCV002103488.5), dbSNP rs2470574298, ClinGen allele CA350877298.

ClinVar aggregate classification (germline): Uncertain significance. Review status: criteria provided, multiple submitters, no conflicts (2 of 4 stars). 2 submissions from 2 submitters: Uncertain significance (2). Last evaluated 2024-10-23.

Conditions:
Inborn genetic diseases. Identifiers: MedGen C0950123, MeSH D030342.
Biotin-responsive basal ganglia disease (BTBGD). Also called: THIAMINE METABOLISM DYSFUNCTION SYNDROME 2 (BIOTIN- AND THIAMINE-RESPONSIVE TYPE); Thiamine Transporter-2 Deficiency; Thiamine metabolism dysfunction syndrome 2 (biotin- or thiamine-responsive encephalopathy type 2); thiamine-responsive encephalopathy; Thiamine metabolism dysfunction syndrome type 2. Identifiers: Orphanet 199348, Orphanet 65284, MedGen C1843807, MONDO:0011841, OMIM 607483.

Submissions (2):

Ambry Genetics
Classification: Uncertain significance for Inborn genetic diseases. Last evaluated: 2024-10-23. Review status: criteria provided, single submitter. Criteria: Ambry Variant Classification Scheme 2023. Collection method: clinical testing. Allele origin: germline.

Labcorp Genetics (formerly Invitae), Labcorp
Classification: Uncertain significance for Biotin-responsive basal ganglia disease. Last evaluated: 2022-11-29. Review status: criteria provided, single submitter. Criteria: Invitae Variant Classification Sherloc (09022015). Collection method: clinical testing. Allele origin: germline.
Comment: This variant is not present in population databases (gnomAD no frequency). This sequence change replaces proline, which is neutral and non-polar, with leucine, which is neutral and non-polar, at codon 133 of the SLC19A3 protein (p.Pro133Leu). This variant has not been reported in the literature in individuals affected with SLC19A3-related conditions. Advanced modeling of protein sequence and biophysical properties (such as structural, functional, and spatial information, amino acid conservation, physicochemical variation, residue mobility, and thermodynamic stability) performed at Invitae indicates that this missense variant is not expected to disrupt SLC19A3 protein function. In summary, the available evidence is currently insufficient to determine the role of this variant in disease. Therefore, it has been classified as a Variant of Uncertain Significance.